The following is an entry in ClinVar:

ClinVar aggregate classification (germline): Benign. Review status: criteria provided, multiple submitters, no conflicts (2 of 4 stars). 3 submissions from 3 submitters: Benign (3). Last evaluated 2021-05-13.

Conditions:
Chondrodysplasia with joint dislocations, gPAPP type. Also called: GPAPP DEFICIENCY. Identifiers: Orphanet 280586, MedGen C3279757, MONDO:0013561, OMIM 614078.

Allele frequency attached by ClinVar (database versions not stated): gnomAD 0.05592 and 0.06056; gnomAD exomes 0.06376; TOPMed 0.06475; 1000 Genomes Project 30x 0.09541; 1000 Genomes Project 0.09605.

Submissions (3):

GeneDx
Classification: Benign. Last evaluated: 2021-05-13. Review status: criteria provided, single submitter. Criteria: GeneDx Variant Classification Process June 2021. Collection method: clinical testing. Allele origin: germline. Affected: yes.

Illumina Laboratory Services, Illumina
Classification: Benign for Chondrodysplasia with joint dislocations, gPAPP type. Last evaluated: 2018-01-13. Review status: criteria provided, single submitter. Criteria: ICSL Variant Classification Criteria 13 December 2019. Collection method: clinical testing. Allele origin: germline.
Comment: This variant was observed in the ICSL laboratory as part of a predisposition screen in an ostensibly healthy population. It had not been previously curated by ICSL or reported in the Human Gene Mutation Database (HGMD: prior to June 1st, 2018), and was therefore a candidate for classification through an automated scoring system. Utilizing variant allele frequency, disease prevalence and penetrance estimates, and inheritance mode, an automated score was calculated to assess if this variant is too frequent to cause the disease. Based on the score and internal cut-off values, a variant classified as benign is not then subjected to further curation. The score for this variant resulted in a classification of benign for this disease.

Breakthrough Genomics
Classification: Benign. Review status: criteria provided, single submitter. Criteria: ACMG Guidelines, 2015. Collection method: not provided. Allele origin: germline. Inheritance: Autosomal recessive inheritance. Affected: yes.

NM_017813.5(BPNT2):c.-169C>T

Genes: BPNT2 (3'(2'), 5'-bisphosphate nucleotidase 2; minus strand), LOC130000433 (ATAC-STARR-seq lymphoblastoid silent region 19212; plus strand). Cytogenetic location: 8q12.1.
Variant type: single nucleotide variant.
Coding change: c.-169C>T on transcript NM_017813.5 (MANE Select); 169 bases upstream of the start codon, C replaced by T.
Molecular consequence: 5 prime UTR variant.
Genome position (GRCh38, 1-based): chr8:56,993,754, G>A on the plus strand (C>T on the coding strand, the complement: BPNT2 is on the minus strand). VCF-style: chr8-56993754-G-A. GRCh37 (hg19) VCF-style: chr8-57906313-G-A.
Identifiers: ClinVar variation 363414 (VCV000363414.8), dbSNP rs1057407, ClinGen allele CA10628071.